The following is an entry in ClinVar:

ClinVar aggregate classification (germline): Likely benign. Review status: criteria provided, multiple submitters, no conflicts (2 of 4 stars). 3 submissions from 3 submitters: Likely benign (3). Last evaluated 2026-01-25.

Conditions:
Niemann-Pick disease, type C1. Also called: NIEMANN-PICK DISEASE, VARIANT TYPE C1; NEUROVISCERAL STORAGE DISEASE WITH VERTICAL SUPRANUCLEAR OPHTHALMOPLEGIA; NIEMANN-PICK DISEASE WITH CHOLESTEROL ESTERIFICATION BLOCK; NIEMANN-PICK DISEASE WITHOUT SPHINGOMYELINASE DEFICIENCY; NIEMANN-PICK DISEASE, CHRONIC NEURONOPATHIC FORM. Identifiers: Orphanet 646, MedGen C3179455, MONDO:0009757, OMIM 257220.
NPC1-related disorder. Also called: NPC1-related condition.

Submissions (3):

Labcorp Genetics (formerly Invitae), Labcorp
Classification: Likely benign for Niemann-Pick disease, type C1. Last evaluated: 2026-01-25. Review status: criteria provided, single submitter. Criteria: Invitae Variant Classification Sherloc (09022015). Collection method: clinical testing. Allele origin: germline.

Mayo Clinic Laboratories, Mayo Clinic
Classification: Likely benign. Last evaluated: 2025-04-15. Review status: criteria provided, single submitter. Criteria: ACMG Guidelines, 2015. Collection method: clinical testing. Allele origin: germline. Observed: 1 variant allele.
Comment: BP4, BP7, PM2_supporting

PreventionGenetics, part of Exact Sciences
Classification: Likely benign for NPC1-related condition. Last evaluated: 2025-03-12. Review status: criteria provided, single submitter. Criteria: ACMG Guidelines, 2015. Collection method: clinical testing. Allele origin: germline.
Comment: This variant is classified as likely benign based on ACMG/AMP sequence variant interpretation guidelines (Richards et al. 2015 PMID: 25741868, with internal and published modifications).

NM_000271.5(NPC1):c.1947+7_1947+8insA

Gene: NPC1 (NPC intracellular cholesterol transporter 1; minus strand). Cytogenetic location: 18q11.2.
Variant type: Insertion.
Coding change: c.1947+7_1947+8insA on transcript NM_000271.5 (MANE Select); bases 7 to 8 of the intron after coding-DNA position 1947, A inserted.
Molecular consequence: intron variant.
Genome position: GRCh38 VCF-style: chr18-23544952-C-CT. GRCh37 (hg19) VCF-style: chr18-21124916-C-CT.
Other names: p.?; c.1947+7_1947+8insA (NM_000271.4).
Identifiers: ClinVar variation 1127866 (VCV001127866.11), dbSNP rs1555634618, ClinGen allele CA628978825.